The following is an entry in ClinVar:

ClinVar aggregate classification (germline): Pathogenic/Likely pathogenic. Review status: criteria provided, multiple submitters, no conflicts (2 of 4 stars). 3 submissions from 3 submitters: Pathogenic (1); Likely pathogenic (2). Last evaluated 2026-01-05.

Conditions:
Eichsfeld type congenital muscular dystrophy (CMYO3). Also called: Rigid spine muscular dystrophy 1; MYOPATHY, SEPN1-RELATED; SELENON-related myopathy; Congenital myopathy 3 with rigid spine. Identifiers: MedGen C0410180, MONDO:0100100, OMIM 602771.

Allele frequency attached by ClinVar (database versions not stated): gnomAD exomes below 0.00001.
gnomAD v4.1: 2 of 1,609,968 alleles (0.00012%); highest among the groups gnomAD compares: African/African-American, 0.0013%; no homozygotes.

Submissions (3):

Labcorp Genetics (formerly Invitae), Labcorp
Classification: Likely pathogenic for Eichsfeld type congenital muscular dystrophy. Last evaluated: 2026-01-05. Review status: criteria provided, single submitter. Criteria: Invitae Variant Classification Sherloc (09022015). Collection method: clinical testing. Allele origin: germline.
Comment: This sequence change affects a donor splice site in intron 10 of the SELENON gene. It is expected to disrupt RNA splicing. Variants that disrupt the donor or acceptor splice site typically lead to a loss of protein function (PMID: 16199547), and loss-of-function variants in SELENON are known to be pathogenic (PMID: 21131290, 21670436). This variant is not present in population databases (gnomAD no frequency). This variant has not been reported in the literature in individuals affected with SELENON-related conditions. ClinVar contains an entry for this variant (Variation ID: 1028166). Algorithms developed to predict the effect of sequence changes on RNA splicing suggest that this variant may disrupt the consensus splice site. In summary, the currently available evidence indicates that the variant is pathogenic, but additional data are needed to prove that conclusively. Therefore, this variant has been classified as Likely Pathogenic.

Institute of Human Genetics, University of Leipzig Medical Center
Classification: Pathogenic for Eichsfeld type congenital muscular dystrophy. Last evaluated: 2023-10-23. Review status: criteria provided, single submitter. Criteria: ACMG Guidelines, 2015. Collection method: clinical testing. Allele origin: unknown. Inheritance: Autosomal recessive inheritance. Affected: yes.
Comment: Criteria applied: PVS1,PP4_STR,PS4_SUP,PM2_SUP

Baylor Genetics
Classification: Likely pathogenic for Eichsfeld type congenital muscular dystrophy. Last evaluated: 2019-08-29. Review status: criteria provided, single submitter. Criteria: ACMG Guidelines, 2015. Collection method: clinical testing. Allele origin: unknown. Affected: yes.
Comment: This variant was determined to be likely pathogenic according to ACMG Guidelines, 2015 [PMID:25741868].

Literature cited by the submitters: PubMed 16199547 (cited by Labcorp Genetics (formerly Invitae), Labcorp); PubMed 21131290 (cited by Labcorp Genetics (formerly Invitae), Labcorp); PubMed 21670436 (cited by Labcorp Genetics (formerly Invitae), Labcorp).

NM_206926.2(SELENON):c.1285+1G>A

Gene: SELENON (selenoprotein N; plus strand). Cytogenetic location: 1p36.11.
Variant type: single nucleotide variant.
Coding change: c.1285+1G>A on transcript NM_206926.2 (MANE Select); the canonical splice donor site of the intron after coding-DNA position 1285, G replaced by A.
Molecular consequence: splice donor variant.
Genome position (GRCh38, 1-based): chr1:25,812,793, G>A. VCF-style: chr1-25812793-G-A. GRCh37 (hg19) VCF-style: chr1-26139284-G-A.
Other names: c.1387+1G>A (NM_020451.3).
Identifiers: ClinVar variation 1028166 (VCV001028166.3), dbSNP rs2047977957, ClinGen allele CA339117893.